The following is an entry in ClinVar:

NM_006214.4(PHYH):c.502A>T (p.Lys168Ter)

Gene: PHYH (phytanoyl-CoA 2-hydroxylase; minus strand). Cytogenetic location: 10p13.
Variant type: single nucleotide variant.
Coding change: c.502A>T on transcript NM_006214.4 (MANE Select); coding-DNA position 502, A replaced by T.
Protein change: p.Lys168Ter; replaces lysine 168 with a stop codon.
Molecular consequence: nonsense. On other transcripts: intron variant (1).
Genome position (GRCh38, 1-based): chr10:13,288,536, T>A on the plus strand (A>T on the coding strand, the complement: PHYH is on the minus strand). VCF-style: chr10-13288536-T-A. GRCh37 (hg19) VCF-style: chr10-13330536-T-A.
Other names: c.202A>T, p.Lys68Ter (NM_001037537.2, NM_001323080.2); c.508A>T, p.Lys170Ter (NM_001323082.2); c.208A>T, p.Lys70Ter (NM_001323084.2); c.415-4697A>T (NM_001323083.2); short protein forms K168*, K170*, K68*, K70*.
Identifiers: ClinVar variation 1725221 (VCV001725221.2), dbSNP rs1835618953, ClinGen allele CA376035899.

ClinVar aggregate classification (germline): Likely pathogenic (1 of 4 stars; one submission).

Conditions:
Refsum disease, classic. Also called: PHYH-Related Refsum Disease; HEREDOPATHIA ATACTICA POLYNEURITIFORMIS; HMSN IV; PHYTANIC ACID OXIDASE DEFICIENCY. Identifiers: Orphanet 773, MedGen C5780941, MONDO:1060256, OMIM 266500. Disease mechanism: loss of function.

gnomAD v4.1: 3 of 1,614,002 alleles (0.00019%); highest among the groups gnomAD compares: Non-Finnish European, 0.00025%; no homozygotes.

Submission:

Myriad Genetics, Inc.
Classification: Likely pathogenic for Refsum disease, classic. Last evaluated: 2022-03-14. Review status: criteria provided, single submitter. Criteria: Myriad Women's Health Autosomal Recessive and X-Linked Classification Criteria (2021). Collection method: clinical testing. Allele origin: unknown.
Comment: NM_006214.3(PHYH):c.502A>T(K168*) is expected to be pathogenic in the context of PHYH-related refsum disease. This variant is predicted to lead to an abnormal or absent protein product due to the creation of a premature termination codon in PHYH, a gene where loss-of-function variants are known to be pathogenic. Please note: this variant was assessed in the context of healthy population screening.